The following is an entry in ClinVar:

NM_020964.3(EPG5):c.2378A>G (p.Asp793Gly)

Gene: EPG5 (ectopic P-granules 5 autophagy tethering factor; minus strand). Cytogenetic location: 18q21.1.
Variant type: single nucleotide variant.
Coding change: c.2378A>G on transcript NM_020964.3 (MANE Select); coding-DNA position 2378, A replaced by G.
Protein change: p.Asp793Gly; replaces aspartic acid 793 with glycine.
Molecular consequence: missense variant.
Genome position (GRCh38, 1-based): chr18:45,930,710, T>C on the plus strand (A>G on the coding strand, the complement: EPG5 is on the minus strand). VCF-style: chr18-45930710-T-C. GRCh37 (hg19) VCF-style: chr18-43510676-T-C.
Other names: c.2378A>G, p.Asp793Gly (NM_001410858.1, NM_001410859.1); short protein forms D793G.
Identifiers: ClinVar variation 1999313 (VCV001999313.1), dbSNP rs943904124, ClinGen allele CA299775193.

ClinVar aggregate classification (germline): Uncertain significance (1 of 4 stars; one submission).

Conditions:
Vici syndrome (VICIS). Identifiers: Orphanet 1493, MedGen C1855772, MONDO:0009452, OMIM 242840.

Submission:

Labcorp Genetics (formerly Invitae), Labcorp
Classification: Uncertain significance for Vici syndrome. Last evaluated: 2022-08-19. Review status: criteria provided, single submitter. Criteria: Invitae Variant Classification Sherloc (09022015). Collection method: clinical testing. Allele origin: germline.
Comment: This sequence change replaces aspartic acid, which is acidic and polar, with glycine, which is neutral and non-polar, at codon 793 of the EPG5 protein (p.Asp793Gly). This variant is not present in population databases (gnomAD no frequency). This variant has not been reported in the literature in individuals affected with EPG5-related conditions. Algorithms developed to predict the effect of missense changes on protein structure and function (SIFT, PolyPhen-2, Align-GVGD) all suggest that this variant is likely to be tolerated. In summary, the available evidence is currently insufficient to determine the role of this variant in disease. Therefore, it has been classified as a Variant of Uncertain Significance.